The following is an entry in ClinVar:

ClinVar aggregate classification (germline): Uncertain significance (1 of 4 stars; one submission).

Conditions:
Cardiovascular phenotype. Identifiers: MedGen CN230736.
Hereditary cancer-predisposing syndrome. Also called: Hereditary neoplastic syndrome; Neoplastic Syndromes, Hereditary; Tumor predisposition; Hereditary Cancer Syndrome. Identifiers: Orphanet 140162, MedGen C0027672, MeSH D009386, MONDO:0015356.

Submission:

Ambry Genetics
Classification: Uncertain significance for Cardiovascular phenotype; Hereditary cancer-predisposing syndrome. Last evaluated: 2025-07-16. Review status: criteria provided, single submitter. Criteria: Ambry Variant Classification Scheme 2023. Collection method: clinical testing. Allele origin: germline.
Comment: The c.8050+5A>T intronic variant results from an A to T substitution 5 nucleotides after coding exon 54 in the NF1 gene. This nucleotide position is not well conserved in available vertebrate species. In silico splice site analysis predicts that this alteration will not have any significant effect on splicing. Based on the available evidence, the clinical significance of this variant remains unclear.

NM_001042492.3(NF1):c.8113+5A>T

Gene: NF1 (neurofibromin 1; plus strand). Cytogenetic location: 17q11.2.
Variant type: single nucleotide variant.
Coding change: c.8113+5A>T on transcript NM_001042492.3 (MANE Select); 5 bases into the intron after coding-DNA position 8113, A replaced by T.
Molecular consequence: intron variant.
Genome position (GRCh38, 1-based): chr17:31,358,627, A>T. VCF-style: chr17-31358627-A-T. GRCh37 (hg19) VCF-style: chr17-29685645-A-T.
Other names: c.8050+5A>T (NM_000267.4).
Identifiers: ClinVar variation 4119091 (VCV004119091.1).